The following is an entry in ClinVar:

NM_000207.3(INS):c.188-11C>A

Genes: INS (insulin; minus strand), INS-IGF2 (INS-IGF2 readthrough; minus strand). Cytogenetic location: 11p15.5.
Variant type: single nucleotide variant.
Coding change: c.188-11C>A on transcript NM_000207.3 (MANE Select); 11 bases into the intron before coding-DNA position 188, C replaced by A.
Molecular consequence: intron variant.
Genome position (GRCh38, 1-based): chr11:2,160,008, G>T on the plus strand (C>A on the coding strand, the complement: INS is on the minus strand). VCF-style: chr11-2160008-G-T. GRCh37 (hg19) VCF-style: chr11-2181238-G-T.
Other names: c.187+777C>A (NM_001042376.3); c.188-11C>A (NM_001185097.2, NM_001291897.2, NM_001185098.2).
Identifiers: ClinVar variation 4689274 (VCV004689274.1).

ClinVar aggregate classification (germline): Likely benign (1 of 4 stars; one submission).

gnomAD v4.1: 3 of 1,574,900 alleles (0.00019%); highest among the groups gnomAD compares: African/African-American, 0.0013%; no homozygotes.

Submission:

Women's Health and Genetics/Laboratory Corporation of America, LabCorp
Classification: Likely benign. Last evaluated: 2026-01-19. Review status: criteria provided, single submitter. Criteria: LabCorp Variant Classification Summary - May 2015. Collection method: clinical testing. Allele origin: germline.
Comment: Variant summary: INS c.188-11C>A alters a non-conserved nucleotide located at a position not widely known to affect splicing. Consensus agreement among computation tools predict no significant impact on normal splicing. However, these predictions have yet to be confirmed by functional studies. The variant was absent in 189448 control chromosomes. The available data on variant occurrences in the general population are insufficient to allow any conclusion about variant significance. To our knowledge, no occurrence of c.188-11C>A in individuals affected with INS-related conditions and no experimental evidence demonstrating its impact on protein function have been reported. No submitters have cited clinical-significance assessments for this variant to ClinVar. Based on the evidence outlined above, the variant was classified as likely benign.